The following is an entry in ClinVar:

ClinVar aggregate classification (germline): Uncertain significance. Review status: criteria provided, multiple submitters, no conflicts (2 of 4 stars). 2 submissions from 2 submitters: Uncertain significance (2). Last evaluated 2024-11-20.

Conditions:
Inborn genetic diseases. Identifiers: MedGen C0950123, MeSH D030342.
Fanconi anemia (FA). Also called: Fanconi's anemia. Identifiers: Orphanet 84, MedGen C0015625, MeSH D005199, MONDO:0019391.

Allele frequency attached by ClinVar (database versions not stated): ExAC 0.00001.
gnomAD v4.1: 2 of 1,614,168 alleles (0.00012%); highest among the groups gnomAD compares: African/African-American, 0.0013%; no homozygotes.

Submissions (2):

Ambry Genetics
Classification: Uncertain significance for Inborn genetic diseases. Last evaluated: 2024-11-20. Review status: criteria provided, single submitter. Criteria: Ambry Variant Classification Scheme 2023. Collection method: clinical testing. Allele origin: germline.

Labcorp Genetics (formerly Invitae), Labcorp
Classification: Uncertain significance for Fanconi anemia. Last evaluated: 2023-11-27. Review status: criteria provided, single submitter. Criteria: Invitae Variant Classification Sherloc (09022015). Collection method: clinical testing. Allele origin: germline.
Comment: This sequence change replaces serine, which is neutral and polar, with phenylalanine, which is neutral and non-polar, at codon 998 of the SLX4 protein (p.Ser998Phe). The frequency data for this variant in the population databases is considered unreliable, as metrics indicate poor data quality at this position in the gnomAD database. This variant has not been reported in the literature in individuals affected with SLX4-related conditions. ClinVar contains an entry for this variant (Variation ID: 2060112). An algorithm developed to predict the effect of missense changes on protein structure and function (PolyPhen-2) suggests that this variant is likely to be disruptive. In summary, the available evidence is currently insufficient to determine the role of this variant in disease. Therefore, it has been classified as a Variant of Uncertain Significance.

NM_032444.4(SLX4):c.2993C>T (p.Ser998Phe)

Gene: SLX4 (SLX4 structure-specific endonuclease subunit; minus strand). Cytogenetic location: 16p13.3.
Variant type: single nucleotide variant.
Coding change: c.2993C>T on transcript NM_032444.4 (MANE Select); coding-DNA position 2993, C replaced by T.
Protein change: p.Ser998Phe; replaces serine 998 with phenylalanine.
Molecular consequence: missense variant.
Genome position (GRCh38, 1-based): chr16:3,590,645, G>A on the plus strand (C>T on the coding strand, the complement: SLX4 is on the minus strand). VCF-style: chr16-3590645-G-A. GRCh37 (hg19) VCF-style: chr16-3640646-G-A.
Other names: short protein forms S998F.
Identifiers: ClinVar variation 2060112 (VCV002060112.5), dbSNP rs762531905, ClinGen allele CA7866023.